The following is an entry in ClinVar:

ClinVar aggregate classification (germline): Uncertain significance (1 of 4 stars; one submission).

Submission:

Labcorp Genetics (formerly Invitae), Labcorp
Classification: Uncertain significance. Last evaluated: 2022-03-10. Review status: criteria provided, single submitter. Criteria: Invitae Variant Classification Sherloc (09022015). Collection method: clinical testing. Allele origin: germline.
Comment: This variant is not present in population databases (gnomAD no frequency). In summary, the available evidence is currently insufficient to determine the role of this variant in disease. Therefore, it has been classified as a Variant of Uncertain Significance. Algorithms developed to predict the effect of missense changes on protein structure and function (SIFT, PolyPhen-2, Align-GVGD) all suggest that this variant is likely to be tolerated. This variant has not been reported in the literature in individuals affected with CFB-related conditions. This sequence change replaces glutamic acid, which is acidic and polar, with aspartic acid, which is acidic and polar, at codon 126 of the CFB protein (p.Glu126Asp).

NM_001710.6(CFB):c.378G>T (p.Glu126Asp)

Gene: CFB (complement factor B; plus strand). Cytogenetic location: 6p21.33.
Variant type: single nucleotide variant.
Coding change: c.378G>T on transcript NM_001710.6 (MANE Select); coding-DNA position 378, G replaced by T.
Protein change: p.Glu126Asp; replaces glutamic acid 126 with aspartic acid.
Molecular consequence: missense variant.
Genome position (GRCh38, 1-based): chr6:31,947,086, G>T. VCF-style: chr6-31947086-G-T. GRCh37 (hg19) VCF-style: chr6-31914863-G-T.
Other names: short protein forms E126D.
Identifiers: ClinVar variation 2104800 (VCV002104800.4), dbSNP rs781351514, ClinGen allele CA363390976.
Genomic context (GRCh38, chr6:31,947,086, plus strand): 5'-ACACGACTTCGAGAACGGGGAATACTGGCCCCGGTCTCCCTACTACAATGTGAGTGATGA[G>T]ATCTCTTTCCACTGCTATGACGGTTACACTCTCCGGGGCTCTGCCAATCGCACCTGCCAA-3'
Protein context (NP_001701.2, residues 116-136): PRSPYYNVSD[Glu126Asp]ISFHCYDGYT